The following is an entry in ClinVar:

NM_001349338.3(FOXP1):c.1164T>G (p.Ser388Arg)

Gene: FOXP1 (forkhead box P1; minus strand). Cytogenetic location: 3p13.
Variant type: single nucleotide variant.
Coding change: c.1164T>G on transcript NM_001349338.3 (MANE Select); coding-DNA position 1164, T replaced by G.
Protein change: p.Ser388Arg; replaces serine 388 with arginine.
Molecular consequence: missense variant. On other transcripts: non-coding transcript variant (2).
Genome position (GRCh38, 1-based): chr3:70,978,012, A>C on the plus strand (T>G on the coding strand, the complement: FOXP1 is on the minus strand). VCF-style: chr3-70978012-A-C. GRCh37 (hg19) VCF-style: chr3-71027163-A-C.
Other names: c.1161T>G, p.Ser387Arg (NM_001349341.3); c.1164T>G, p.Ser388Arg (NM_001244816.2, NM_001349340.3, NM_032682.6 and 3 more transcripts); c.861T>G, p.Ser287Arg (NM_001349337.2, NM_001349343.3, NM_001349344.3); c.864T>G, p.Ser288Arg (NM_001349342.3, NM_001370548.1, NM_001244813.3 and 1 more transcripts); c.936T>G, p.Ser312Arg (NM_001244812.3); short protein forms S287R, S288R, S312R, S387R, S388R.
Identifiers: ClinVar variation 3767422 (VCV003767422.2).
Genomic context (GRCh38, chr3:70,978,012, plus strand): 5'-CGTTGGAGTATGAGGTAAGCTCTGTGGAGAAGCCTCCGATGCGGACTTGGAGAGAGTGAC[A>C]CTTGATACCAGATTCAACTGCAAGGAAAAAAACAACGTCTTAGAAGACCTTCAGAAAACC-3'
Protein context (NP_001336267.1, residues 378-398): AAPQPLNLVS[Ser388Arg]VTLSKSASEA

ClinVar aggregate classification (germline): Uncertain significance. Review status: criteria provided, multiple submitters, no conflicts (2 of 4 stars). 2 submissions from 2 submitters: Uncertain significance (2). Last evaluated 2026-06-24.

Conditions:
Inborn genetic diseases. Identifiers: MedGen C0950123, MeSH D030342.

Submissions (2):

Ambry Genetics
Classification: Uncertain significance for Inborn genetic diseases. Last evaluated: 2026-06-24. Review status: criteria provided, single submitter. Criteria: Ambry Variant Classification Scheme 2023. Collection method: clinical testing. Allele origin: germline.

GeneDx
Classification: Uncertain significance. Last evaluated: 2024-09-09. Review status: criteria provided, single submitter. Criteria: GeneDx Variant Classification Process June 2021. Collection method: clinical testing. Allele origin: germline. Affected: yes.
Comment: Not observed at significant frequency in large population cohorts (gnomAD); In silico analysis supports that this missense variant has a deleterious effect on protein structure/function; Has not been previously published as pathogenic or benign to our knowledge